The following is an entry in ClinVar:

ClinVar aggregate classification (germline): Uncertain significance (1 of 4 stars; one submission).

Conditions:
Neuroblastoma, susceptibility to, 3. Also called: ALK-Related Neuroblastic Tumor Susceptibility. Identifiers: Orphanet 635, MedGen C2751681, MONDO:0013083, OMIM 613014.

Submission:

Labcorp Genetics (formerly Invitae), Labcorp
Classification: Uncertain significance for Neuroblastoma, susceptibility to, 3. Last evaluated: 2024-07-11. Review status: criteria provided, single submitter. Criteria: Invitae Variant Classification Sherloc (09022015). Collection method: clinical testing. Allele origin: germline.
Comment: This sequence change replaces arginine, which is basic and polar, with serine, which is neutral and polar, at codon 1214 of the ALK protein (p.Arg1214Ser). This variant is not present in population databases (gnomAD no frequency). This variant has not been reported in the literature in individuals affected with ALK-related conditions. An algorithm developed to predict the effect of missense changes on protein structure and function (PolyPhen-2) suggests that this variant is likely to be disruptive. In summary, the available evidence is currently insufficient to determine the role of this variant in disease. Therefore, it has been classified as a Variant of Uncertain Significance.

NM_004304.5(ALK):c.3640C>A (p.Arg1214Ser)

Gene: ALK (ALK receptor tyrosine kinase; minus strand). Cytogenetic location: 2p23.2.
Variant type: single nucleotide variant.
Coding change: c.3640C>A on transcript NM_004304.5 (MANE Select); coding-DNA position 3640, C replaced by A.
Protein change: p.Arg1214Ser; replaces arginine 1214 with serine.
Molecular consequence: missense variant.
Genome position (GRCh38, 1-based): chr2:29,220,711, G>T on the plus strand (C>A on the coding strand, the complement: ALK is on the minus strand). VCF-style: chr2-29220711-G-T. GRCh37 (hg19) VCF-style: chr2-29443577-G-T.
Other names: c.436C>A, p.Arg146Ser (NM_001353765.2); short protein forms R1214S, R146S.
Identifiers: ClinVar variation 3659219 (VCV003659219.2).
Genomic context (GRCh38, chr2:29,220,711, plus strand): 5'-ATCCTTGCTCCTGTCCTTGGCACAACAACTGCAGCAAAGACTGGTTCTCACTCACCGGGC[G>T]AGGGCGGGTCTCTCGGAGGAAGGACTTGAGGTCTCCCCCCGCCATGAGCTCCAGCAGGAT-3'
Protein context (NP_004295.2, residues 1204-1224): LKSFLRETRP[Arg1214Ser]PSQPSSLAML